The following is an entry in ClinVar:

ClinVar aggregate classification (germline): Uncertain significance. Review status: criteria provided, multiple submitters, no conflicts (2 of 4 stars). 2 submissions from 2 submitters: Uncertain significance (2). Last evaluated 2025-05-21.

Conditions:
Congenital myotonia, autosomal recessive form. Also called: BECKER DISEASE; Becker Generalized Myotonia; myotonia congenita, autosomal recessive. Identifiers: Orphanet 614, MedGen C0751360, MONDO:0009715, OMIM 255700.
Congenital myotonia, autosomal dominant form (THD). Also called: THOMSEN DISEASE; Myotonia congenita autosomal dominant. Identifiers: Orphanet 614, MedGen C2936781, MONDO:0008055, OMIM 160800.

Allele frequency attached by ClinVar (database versions not stated): TOPMed below 0.00001; gnomAD exomes 0.00001; ExAC 0.00002.
gnomAD v4.1: 4 of 1,614,148 alleles (0.00025%); highest among the groups gnomAD compares: South Asian, 0.0011%; no homozygotes.

Submissions (2):

Labcorp Genetics (formerly Invitae), Labcorp
Classification: Uncertain significance for Congenital myotonia, autosomal recessive form; Congenital myotonia, autosomal dominant form. Last evaluated: 2025-05-21. Review status: criteria provided, single submitter. Criteria: Invitae Variant Classification Sherloc (09022015). Collection method: clinical testing. Allele origin: germline.
Comment: This sequence change replaces threonine, which is neutral and polar, with serine, which is neutral and polar, at codon 874 of the CLCN1 protein (p.Thr874Ser). This variant is present in population databases (rs776287053, gnomAD 0.003%). This variant has not been reported in the literature in individuals affected with CLCN1-related conditions. ClinVar contains an entry for this variant (Variation ID: 2047788). Invitae Evidence Modeling of protein sequence and biophysical properties (such as structural, functional, and spatial information, amino acid conservation, physicochemical variation, residue mobility, and thermodynamic stability) has been performed for this missense variant. However, the output from this modeling did not meet the statistical confidence thresholds required to predict the impact of this variant on CLCN1 protein function. In summary, the available evidence is currently insufficient to determine the role of this variant in disease. Therefore, it has been classified as a Variant of Uncertain Significance.

Revvity Omics, Revvity
Classification: Uncertain significance. Last evaluated: 2019-08-14. Review status: criteria provided, single submitter. Criteria: ACMG Guidelines, 2015. Collection method: clinical testing. Allele origin: germline.

NM_000083.3(CLCN1):c.2621C>G (p.Thr874Ser)

Gene: CLCN1 (chloride voltage-gated channel 1; plus strand). Cytogenetic location: 7q34.
Variant type: single nucleotide variant.
Coding change: c.2621C>G on transcript NM_000083.3 (MANE Select); coding-DNA position 2621, C replaced by G.
Protein change: p.Thr874Ser; replaces threonine 874 with serine.
Molecular consequence: missense variant. On other transcripts: non-coding transcript variant (1).
Genome position (GRCh38, 1-based): chr7:143,351,619, C>G. VCF-style: chr7-143351619-C-G. GRCh37 (hg19) VCF-style: chr7-143048712-C-G.
Other names: c.2621C>G (NM_000083.2); short protein forms T874S.
Identifiers: ClinVar variation 2047788 (VCV002047788.5), dbSNP rs776287053, ClinGen allele CA4537755.